The following is an entry in ClinVar:

NM_018052.5(VAC14):c.2158G>A (p.Val720Met)

Gene: VAC14 (VAC14 component of PIKFYVE complex; minus strand). Cytogenetic location: 16q22.1.
Variant type: single nucleotide variant.
Coding change: c.2158G>A on transcript NM_018052.5 (MANE Select); coding-DNA position 2158, G replaced by A.
Protein change: p.Val720Met; replaces valine 720 with methionine.
Molecular consequence: missense variant.
Genome position (GRCh38, 1-based): chr16:70,692,849, C>T on the plus strand (G>A on the coding strand, the complement: VAC14 is on the minus strand). VCF-style: chr16-70692849-C-T. GRCh37 (hg19) VCF-style: chr16-70726752-C-T.
Other names: c.1456G>A, p.Val486Met (NM_001351157.2); short protein forms V486M, V720M.
Identifiers: ClinVar variation 4739663 (VCV004739663.1).

ClinVar aggregate classification (germline): Uncertain significance (1 of 4 stars; one submission).

gnomAD v4.1: 50 of 1,602,452 alleles (0.0031%); highest among the groups gnomAD compares: East Asian, 0.0067%; no homozygotes.

Submission:

Labcorp Genetics (formerly Invitae), Labcorp
Classification: Uncertain significance. Last evaluated: 2025-12-24. Review status: criteria provided, single submitter. Criteria: Invitae Variant Classification Sherloc (09022015). Collection method: clinical testing. Allele origin: germline.
Comment: This sequence change replaces valine, which is neutral and non-polar, with methionine, which is neutral and non-polar, at codon 720 of the VAC14 protein (p.Val720Met). The frequency data for this variant in the population databases is considered unreliable, as metrics indicate poor data quality at this position in the gnomAD database. This variant has not been reported in the literature in individuals affected with VAC14-related conditions. Invitae Evidence Modeling of protein sequence and biophysical properties (such as structural, functional, and spatial information, amino acid conservation, physicochemical variation, residue mobility, and thermodynamic stability) indicates that this missense variant is not expected to disrupt VAC14 protein function with a negative predictive value of 80%. In summary, the available evidence is currently insufficient to determine the role of this variant in disease. Therefore, it has been classified as a Variant of Uncertain Significance.